The following is an entry in ClinVar:

ClinVar aggregate classification (germline): Conflicting classifications of pathogenicity. Review status: criteria provided, conflicting classifications (1 of 4 stars). 4 submissions from 4 submitters: Likely pathogenic (3); Uncertain significance (1). Last evaluated 2026-05-15.

Conditions:
Hematuria, benign familial, 2 (BFH2). Identifiers: MedGen C5830421, MONDO:0958186, OMIM 620320.
Alport syndrome 3b, autosomal recessive. Identifiers: MedGen C5882699, MONDO:0957811, OMIM 620536.
Autosomal dominant Alport syndrome (ATS3A). Also called: Alport syndrome dominant type; Renal failure and sensorineural hearing loss; ALPORT SYNDROME 3A, AUTOSOMAL DOMINANT. Identifiers: Orphanet 63, Orphanet 88918, MedGen C5882663, MONDO:0007086, OMIM 104200.
Inborn genetic diseases. Identifiers: MedGen C0950123, MeSH D030342.
Alport syndrome. Also called: Hemorrhagic familial nephritis; Hemorrhagic hereditary nephritis; Congenital hereditary hematuria. Identifiers: Orphanet 63, MedGen C1567741, MONDO:0018965.

gnomAD v4.1: 8 of 1,613,920 alleles (0.0005%); highest among the groups gnomAD compares: Non-Finnish European, 0.00068%; no homozygotes.

Submissions (4):

Ambry Genetics
Classification: Uncertain significance for Inborn genetic diseases. Last evaluated: 2026-05-15. Review status: criteria provided, single submitter. Criteria: Ambry Variant Classification Scheme 2023. Collection method: clinical testing. Allele origin: germline.

Natera, Inc.
Classification: Likely pathogenic for Alport syndrome. Last evaluated: 2025-08-19. Review status: criteria provided, single submitter. Criteria: Natera Variant Classification Schema (03/2026). Collection method: clinical testing. Allele origin: germline.
Comment: The c.3902G>A variant in COL4A3 is a missense variant predicted to cause substitution of glycine to aspartic acid at amino acid 1301. This variant is rare in the general population with a frequency below the threshold expected for the associated phenotype(s). This variant is located in a functionally critical region of the protein. Computational prediction algorithms indicate this variant is likely to affect gene or protein function. Given the available evidence, this variant is classified as Likely Pathogenic.

MVZ Medizinische Genetik Mainz
Classification: Likely pathogenic for Autosomal dominant Alport syndrome. Last evaluated: 2024-03-13. Review status: criteria provided, single submitter. Criteria: UK Practice Guidelines For Variant Classification V4 01 2020. Collection method: clinical testing. Allele origin: germline. Inheritance: Autosomal dominant inheritance. Affected: yes. Observed: 1 variant allele.
Comment: ACMG Criteria: PP3_STR,PM1_SUP,PM2_SUP

Fulgent Genetics
Classification: Likely pathogenic for Autosomal dominant Alport syndrome; Hematuria, benign familial, 2; Alport syndrome 3b, autosomal recessive. Last evaluated: 2024-01-19. Review status: criteria provided, single submitter. Criteria: ACMG Guidelines, 2015. Collection method: clinical testing. Allele origin: germline.

NM_000091.5(COL4A3):c.3902G>A (p.Gly1301Asp)

Genes: COL4A3 (collagen type IV alpha 3 chain; plus strand), MFF-DT (MFF divergent transcript; minus strand). Cytogenetic location: 2q36.3.
Variant type: single nucleotide variant.
Coding change: c.3902G>A on transcript NM_000091.5 (MANE Select); coding-DNA position 3902, G replaced by A.
Protein change: p.Gly1301Asp; replaces glycine 1301 with aspartic acid.
Molecular consequence: missense variant.
Genome position (GRCh38, 1-based): chr2:227,303,057, G>A. VCF-style: chr2-227303057-G-A. GRCh37 (hg19) VCF-style: chr2-228167773-G-A.
Other names: short protein forms G1301D.
Identifiers: ClinVar variation 3256680 (VCV003256680.4).